The following is an entry in ClinVar:

ClinVar aggregate classification (germline): Uncertain significance. Review status: criteria provided, multiple submitters, no conflicts (2 of 4 stars). 2 submissions from 2 submitters: Uncertain significance (2). Last evaluated 2024-02-02.

Conditions:
Cardiovascular phenotype. Identifiers: MedGen CN230736.

Allele frequency attached by ClinVar (database versions not stated): gnomAD exomes 0.00003.
gnomAD v4.1: 35 of 1,609,482 alleles (0.0022%); highest among the groups gnomAD compares: Non-Finnish European, 0.0029%; no homozygotes.

Submissions (2):

Ambry Genetics
Classification: Uncertain significance for Cardiovascular phenotype. Last evaluated: 2024-02-02. Review status: criteria provided, single submitter. Criteria: Ambry Variant Classification Scheme 2023. Collection method: clinical testing. Allele origin: germline.
Comment: The c.654+4A>G intronic variant results from an A to G substitution 4 nucleotides after coding exon 4 in the TBX20 gene. This nucleotide position is well conserved in available vertebrate species. In silico splice site analysis for this alteration is inconclusive. Based on the available evidence, the clinical significance of this alteration remains unclear.

Labcorp Genetics (formerly Invitae), Labcorp
Classification: Uncertain significance. Last evaluated: 2021-04-26. Review status: criteria provided, single submitter. Criteria: Invitae Variant Classification Sherloc (09022015). Collection method: clinical testing. Allele origin: germline.
Comment: This sequence change falls in intron 4 of the TBX20 gene. It does not directly change the encoded amino acid sequence of the TBX20 protein. It affects a nucleotide within the consensus splice site of the intron. In summary, the available evidence is currently insufficient to determine the role of this variant in disease. Therefore, it has been classified as a Variant of Uncertain Significance. Nucleotide substitutions within the consensus splice site are a relatively common cause of aberrant splicing (PMID: 17576681, 9536098). Algorithms developed to predict the effect of sequence changes on RNA splicing suggest that this variant may disrupt the consensus splice site, but this prediction has not been confirmed by published transcriptional studies. This variant has not been reported in the literature in individuals with TBX20-related conditions. This variant is not present in population databases (ExAC no frequency).

Literature cited by the submitters: PubMed 17576681 (cited by Labcorp Genetics (formerly Invitae), Labcorp); PubMed 9536098 (cited by Labcorp Genetics (formerly Invitae), Labcorp).

NM_001077653.2(TBX20):c.654+4A>G

Gene: TBX20 (T-box transcription factor 20; minus strand). Cytogenetic location: 7p14.2.
Variant type: single nucleotide variant.
Coding change: c.654+4A>G on transcript NM_001077653.2 (MANE Select); 4 bases into the intron after coding-DNA position 654, A replaced by G.
Molecular consequence: intron variant.
Genome position (GRCh38, 1-based): chr7:35,244,945, T>C on the plus strand (A>G on the coding strand, the complement: TBX20 is on the minus strand). VCF-style: chr7-35244945-T-C. GRCh37 (hg19) VCF-style: chr7-35284557-T-C.
Other names: c.654+4A>G (NM_001166220.1).
Identifiers: ClinVar variation 1522027 (VCV001522027.7), dbSNP rs1790151041, ClinGen allele CA1699584605.
Genomic context (GRCh38, chr7:35,244,945, plus strand): 5'-CAGTTTTGTGCGACCTGTCCATTCTACCTCAGGGAACCTGCACAGTCCAAGGCATGGTAC[T>C]TACATGGCCATGTTGATCCAGTTCATTGTTGGTGAGTTTCACCTTTTCAAAAGACACCAT-3'